The following is an entry in ClinVar:

ClinVar aggregate classification (germline): Uncertain significance (1 of 4 stars; one submission).

gnomAD v4.1: 2 of 1,595,352 alleles (0.00013%); highest among the groups gnomAD compares: South Asian, 0.0011%; no homozygotes.

Submission:

GeneDx
Classification: Uncertain significance. Last evaluated: 2026-09-28. Review status: criteria provided, single submitter. Criteria: GeneDx Variant Classification Process June 2021. Collection method: clinical testing. Allele origin: germline.
Comment: Not observed at significant frequency in large population cohorts (gnomAD); In silico analysis indicates that this missense variant does not alter protein structure/function; Has not been previously published as pathogenic or benign to our knowledge

NM_014159.7(SETD2):c.4463A>G (p.Asn1488Ser)

Gene: SETD2 (SET domain containing 2, histone lysine methyltransferase; minus strand). Cytogenetic location: 3p21.31.
Variant type: single nucleotide variant.
Coding change: c.4463A>G on transcript NM_014159.7 (MANE Select); coding-DNA position 4463, A replaced by G.
Protein change: p.Asn1488Ser; replaces asparagine 1488 with serine.
Molecular consequence: missense variant. On other transcripts: non-coding transcript variant (1).
Genome position (GRCh38, 1-based): chr3:47,116,746, T>C on the plus strand (A>G on the coding strand, the complement: SETD2 is on the minus strand). VCF-style: chr3-47116746-T-C. GRCh37 (hg19) VCF-style: chr3-47158236-T-C.
Other names: c.4331A>G, p.Asn1444Ser (NM_001349370.3); short protein forms N1444S, N1488S.
Identifiers: ClinVar variation 3764347 (VCV003764347.2).
Genomic context (GRCh38, chr3:47,116,746, plus strand): 5'-TCATCTTTAGAAAGAGGTGTACACTCACACTGCATTCGCTTAATATCTCGATGAGATTTA[T>C]TCTTCTTTCTATTGGGTAAAATTTCATAAAAACTGATTAAATAAATTTCCTGGTAAAGAT-3'
Protein context (NP_054878.5, residues 1478-1498): ENVYLTERKK[Asn1488Ser]KSHRDIKRMQ